The following is an entry in ClinVar:

ClinVar aggregate classification (germline): Uncertain significance. Review status: criteria provided, multiple submitters, no conflicts (2 of 4 stars). 3 submissions from 3 submitters: Uncertain significance (3). Last evaluated 2022-05-21.

Conditions:
Hereditary cancer-predisposing syndrome. Also called: Hereditary Cancer Syndrome; Neoplastic Syndromes, Hereditary; Tumor predisposition; Hereditary neoplastic syndrome. Identifiers: Orphanet 140162, MedGen C0027672, MeSH D009386, MONDO:0015356.
Neurofibromatosis, type 1 (NF1). Also called: Neurofibromatosis, type I; VON RECKLINGHAUSEN DISEASE; NEUROFIBROMATOSIS, TYPE I, SOMATIC; Peripheral type neurofibromatosis. Identifiers: Orphanet 636, MedGen C0027831, MONDO:0018975, OMIM 162200. Disease mechanism: loss of function.

gnomAD v4.1: 1 of 1,612,870 alleles (0.000062%); highest among the groups gnomAD compares: Non-Finnish European, 0.000085%; no homozygotes.

Submissions (3):

Labcorp Genetics (formerly Invitae), Labcorp
Classification: Uncertain significance for Neurofibromatosis, type 1. Last evaluated: 2022-05-21. Review status: criteria provided, single submitter. Criteria: Invitae Variant Classification Sherloc (09022015). Collection method: clinical testing. Allele origin: germline.
Comment: In summary, the available evidence is currently insufficient to determine the role of this variant in disease. Therefore, it has been classified as a Variant of Uncertain Significance. Algorithms developed to predict the effect of missense changes on protein structure and function are either unavailable or do not agree on the potential impact of this missense change (SIFT: "Tolerated"; PolyPhen-2: "Probably Damaging"; Align-GVGD: "Class C0"). ClinVar contains an entry for this variant (Variation ID: 232909). This variant has not been reported in the literature in individuals affected with NF1-related conditions. This variant is not present in population databases (gnomAD no frequency). This sequence change replaces threonine, which is neutral and polar, with arginine, which is basic and polar, at codon 1536 of the NF1 protein (p.Thr1536Arg).

Genome-Nilou Lab
Classification: Uncertain significance for Neurofibromatosis, type 1. Last evaluated: 2022-03-15. Review status: criteria provided, single submitter. Criteria: ACMG Guidelines, 2015. Collection method: clinical testing. Allele origin: germline. Affected: no.

Ambry Genetics
Classification: Uncertain significance for Hereditary cancer-predisposing syndrome. Last evaluated: 2015-07-13. Review status: criteria provided, single submitter. Criteria: Ambry Autosomal Dominant and X-Linked criteria (10/2015). Collection method: clinical testing. Allele origin: germline. Observed: 1 variant allele.
Comment: The p.T1557R variant (also known as c.4670C>G), located in coding exon 35 of the NF1 gene, results from a C to G substitution at nucleotide position 4670. The threonine at codon 1557 is replaced by arginine, an amino acid with similar properties. This variant was not reported in population based cohorts in the following databases: Database of Single Nucleotide Polymorphisms (dbSNP), NHLBI Exome Sequencing Project (ESP), and 1000 Genomes Project. In the ESP, this variant was not observed in 6503 samples (13006 alleles) with coverage at this position. To date, this alteration has been detected with an allele frequency of approximately 0.002% (greater than 55000alleles tested) in our clinical cohort.This amino acid position is highly conserved in available vertebrate species. In addition, the in silico prediction for this alteration is inconclusive.Since supporting evidence is limited at this time, the clinical significance of p.T1557Rremains unclear.

NM_001042492.3(NF1):c.4670C>G (p.Thr1557Arg)

Gene: NF1 (neurofibromin 1; plus strand). Cytogenetic location: 17q11.2.
Variant type: single nucleotide variant.
Coding change: c.4670C>G on transcript NM_001042492.3 (MANE Select); coding-DNA position 4670, C replaced by G.
Protein change: p.Thr1557Arg; replaces threonine 1557 with arginine.
Molecular consequence: missense variant.
Genome position (GRCh38, 1-based): chr17:31,261,803, C>G. VCF-style: chr17-31261803-C-G. GRCh37 (hg19) VCF-style: chr17-29588821-C-G.
Other names: c.4607C>G, p.Thr1536Arg (NM_000267.4); short protein forms T1536R, T1557R.
Identifiers: ClinVar variation 232909 (VCV000232909.11), dbSNP rs876660065, ClinGen allele CA10580324.